The following is an entry in ClinVar:

ClinVar aggregate classification (germline): Uncertain significance (1 of 4 stars; one submission).

Submission:

Ambry Genetics
Classification: Uncertain significance. Last evaluated: 2024-11-08. Review status: criteria provided, single submitter. Criteria: Ambry Variant Classification Scheme 2023. Collection method: clinical testing. Allele origin: germline.
Comment: The p.M810R variant (also known as c.2429T>G), located in coding exon 13 of the NPAT gene, results from a T to G substitution at nucleotide position 2429. The methionine at codon 810 is replaced by arginine, an amino acid with similar properties. This amino acid position is conserved. In addition, this alteration is predicted to be tolerated by in silico analysis. Based on the available evidence, the clinical significance of this variant remains unclear.

NM_002519.3(NPAT):c.2429T>G (p.Met810Arg)

Gene: NPAT (nuclear protein, coactivator of histone transcription; minus strand). Cytogenetic location: 11q22.3.
Variant type: single nucleotide variant.
Coding change: c.2429T>G on transcript NM_002519.3 (MANE Select); coding-DNA position 2429, T replaced by G.
Protein change: p.Met810Arg; replaces methionine 810 with arginine.
Molecular consequence: missense variant.
Genome position (GRCh38, 1-based): chr11:108,172,555, A>C on the plus strand (T>G on the coding strand, the complement: NPAT is on the minus strand). VCF-style: chr11-108172555-A-C. GRCh37 (hg19) VCF-style: chr11-108043282-A-C.
Other names: c.2429T>G, p.Met810Arg (NM_001321307.1); short protein forms M810R.
Identifiers: ClinVar variation 3407269 (VCV003407269.1).
Genomic context (GRCh38, chr11:108,172,555, plus strand): 5'-TCATTCTGAGTATTGTTTACTGCAGAGTCTTCAGATTTGAATGTTAAAAGACTCTGTTCC[A>C]TTGAGGCTGAATCCCCTACTTCGGCATATACAACAGCACCTACAGTTTCTTCTGAAGATA-3'
Protein context (NP_002510.2, residues 800-820): VYAEVGDSAS[Met810Arg]EQSLLTFKSE